The following is an entry in ClinVar:

ClinVar aggregate classification (germline): Uncertain significance (1 of 4 stars; one submission).

Submission:

Ambry Genetics
Classification: Uncertain significance. Last evaluated: 2023-12-10. Review status: criteria provided, single submitter. Criteria: Ambry Variant Classification Scheme 2023. Collection method: clinical testing. Allele origin: germline.
Comment: The p.K154R variant (also known as c.461A>G), located in coding exon 3 of the POLQ gene, results from an A to G substitution at nucleotide position 461. The lysine at codon 154 is replaced by arginine, an amino acid with highly similar properties. This amino acid position is conserved. In addition, this alteration is predicted to be tolerated by in silico analysis. Since supporting evidence is limited at this time, the clinical significance of this alteration remains unclear.

NM_199420.4(POLQ):c.461A>G (p.Lys154Arg)

Gene: POLQ (DNA polymerase theta; minus strand). Cytogenetic location: 3q13.33.
Variant type: single nucleotide variant.
Coding change: c.461A>G on transcript NM_199420.4 (MANE Select); coding-DNA position 461, A replaced by G.
Protein change: p.Lys154Arg; replaces lysine 154 with arginine.
Molecular consequence: missense variant.
Genome position (GRCh38, 1-based): chr3:121,541,362, T>C on the plus strand (A>G on the coding strand, the complement: POLQ is on the minus strand). VCF-style: chr3-121541362-T-C. GRCh37 (hg19) VCF-style: chr3-121260209-T-C.
Other names: short protein forms K154R.
Identifiers: ClinVar variation 3230009 (VCV003230009.1), dbSNP rs2546825865, ClinGen allele CA354092581.